The following is an entry in ClinVar:

ClinVar aggregate classification (germline): Benign (0 of 4 stars; one submission).

Conditions:
CSMD1-related disorder. Also called: CSMD1-related condition.

Allele frequency attached by ClinVar (database versions not stated): gnomAD exomes 0.00269; ExAC 0.01376; gnomAD 0.02862; ESP Exome Variant Server 0.02889; TOPMed 0.03160; 1000 Genomes Project 0.03494; 1000 Genomes Project 30x 0.03748.
gnomAD v4.1: 8,395 of 1,602,354 alleles (0.52%); highest among the groups gnomAD compares: African/African-American, 10%; 388 homozygotes.

Submission:

PreventionGenetics, part of Exact Sciences
Classification: Benign for CSMD1-related condition. Last evaluated: 2019-08-13. Review status: no assertion criteria provided. Collection method: clinical testing. Allele origin: germline.
Comment: This variant is classified as benign based on ACMG/AMP sequence variant interpretation guidelines (Richards et al. 2015 PMID: 25741868, with internal and published modifications).

NM_033225.6(CSMD1):c.2744G>A (p.Arg915Lys)

Gene: CSMD1 (CUB and Sushi multiple domains 1; minus strand). Cytogenetic location: 8p23.2.
Variant type: single nucleotide variant.
Coding change: c.2744G>A on transcript NM_033225.6 (MANE Select); coding-DNA position 2744, G replaced by A.
Protein change: p.Arg915Lys; replaces arginine 915 with lysine.
Molecular consequence: missense variant.
Genome position (GRCh38, 1-based): chr8:3,387,532, C>T on the plus strand (G>A on the coding strand, the complement: CSMD1 is on the minus strand). VCF-style: chr8-3387532-C-T. GRCh37 (hg19) VCF-style: chr8-3245054-C-T.
Other names: short protein forms R915K.
Identifiers: ClinVar variation 3056709 (VCV003056709.2), dbSNP rs73657835, ClinGen allele CA4608196.